The following is an entry in ClinVar:

ClinVar aggregate classification (germline): Uncertain significance. Review status: criteria provided, multiple submitters, no conflicts (2 of 4 stars). 2 submissions from 2 submitters: Uncertain significance (2). Last evaluated 2025-01-06.

Conditions:
Inborn genetic diseases. Identifiers: MedGen C0950123, MeSH D030342.

Submissions (2):

Ambry Genetics
Classification: Uncertain significance for Inborn genetic diseases. Last evaluated: 2025-01-06. Review status: criteria provided, single submitter. Criteria: Ambry Variant Classification Scheme 2023. Collection method: clinical testing. Allele origin: germline.
Comment: The p.R286I variant (also known as c.857G>T), located in coding exon 3 of the MBD4 gene, results from a G to T substitution at nucleotide position 857. The arginine at codon 286 is replaced by isoleucine, an amino acid with similar properties. This amino acid position is conserved. In addition, the in silico prediction for this alteration is inconclusive. Based on the available evidence, the clinical significance of this variant remains unclear.

Labcorp Genetics (formerly Invitae), Labcorp
Classification: Uncertain significance. Last evaluated: 2024-09-03. Review status: criteria provided, single submitter. Criteria: Invitae Variant Classification Sherloc (09022015). Collection method: clinical testing. Allele origin: germline.
Comment: This sequence change replaces arginine, which is basic and polar, with isoleucine, which is neutral and non-polar, at codon 286 of the MBD4 protein (p.Arg286Ile). This variant is not present in population databases (gnomAD no frequency). This variant has not been reported in the literature in individuals affected with MBD4-related conditions. An algorithm developed to predict the effect of missense changes on protein structure and function (PolyPhen-2) suggests that this variant is likely to be tolerated. In summary, the available evidence is currently insufficient to determine the role of this variant in disease. Therefore, it has been classified as a Variant of Uncertain Significance.

NM_001276270.2(MBD4):c.857G>T (p.Arg286Ile)

Gene: MBD4 (methyl-CpG binding domain 4, DNA glycosylase; minus strand). Cytogenetic location: 3q21.3.
Variant type: single nucleotide variant.
Coding change: c.857G>T on transcript NM_001276270.2 (MANE Select); coding-DNA position 857, G replaced by T.
Protein change: p.Arg286Ile; replaces arginine 286 with isoleucine.
Molecular consequence: missense variant. On other transcripts: intron variant (1).
Genome position (GRCh38, 1-based): chr3:129,436,787, C>A on the plus strand (G>T on the coding strand, the complement: MBD4 is on the minus strand). VCF-style: chr3-129436787-C-A. GRCh37 (hg19) VCF-style: chr3-129155630-C-A.
Other names: c.857G>T, p.Arg286Ile (NM_001276271.2, NM_001276272.2, NM_003925.3); c.247+1021G>T (NM_001276273.2); short protein forms R286I.
Identifiers: ClinVar variation 3664323 (VCV003664323.3).